The following is an entry in ClinVar:

ClinVar aggregate classification (germline): Pathogenic (1 of 4 stars; one submission).

Submission:

Labcorp Genetics (formerly Invitae), Labcorp
Classification: Pathogenic. Last evaluated: 2020-11-11. Review status: criteria provided, single submitter. Criteria: Invitae Variant Classification Sherloc (09022015). Collection method: clinical testing. Allele origin: germline.
Comment: For these reasons, this variant has been classified as Pathogenic. This sequence change creates a premature translational stop signal (p.Met59Ilefs*6) in the PRPF31 gene. It is expected to result in an absent or disrupted protein product. Loss-of-function variants in PRPF31 are known to be pathogenic (PMID: 18317597, 23950152). This variant is not present in population databases (ExAC no frequency). This variant has been observed in individual(s) with retinitis pigmentosa (PMID: 16708387, 21378395). This variant is also known as IVS2+1delG in the literature. Nucleotide substitutions within the consensus splice site are a relatively common cause of aberrant splicing (PMID: 17576681, 9536098). Algorithms developed to predict the effect of sequence changes on RNA splicing suggest that this variant may disrupt the consensus splice site, but this prediction has not been confirmed by published transcriptional studies.

Literature cited by the submitters: PubMed 18317597; PubMed 23950152; PubMed 16708387; PubMed 21378395; PubMed 17576681; PubMed 9536098.

NM_015629.4(PRPF31):c.177+1del

Gene: PRPF31 (pre-mRNA processing factor 31; plus strand). Cytogenetic location: 19q13.42.
Variant type: Deletion.
Coding change: c.177+1del on transcript NM_015629.4 (MANE Select); the canonical splice donor site of the intron after coding-DNA position 177, one base deleted (G; older notation c.177+1delG).
Molecular consequence: splice donor variant.
Genome position (GRCh38, 1-based): chr19:54,118,456, G deleted; the last of 2 consecutive G bases (chr19:54,118,455-54,118,456); deleting either gives the same sequence. VCF-style (leftmost placement, unchanged base first): chr19-54118454-TG-T. GRCh37 (hg19) VCF-style: chr19-54621834-TG-T.
Identifiers: ClinVar variation 1416170 (VCV001416170.8), dbSNP rs2146393282, ClinGen allele CA2573156793.